The following is an entry in ClinVar:

NM_000245.4(MET):c.362T>C (p.Val121Ala)

Gene: MET (MET proto-oncogene, receptor tyrosine kinase; plus strand). Cytogenetic location: 7q31.2.
Variant type: single nucleotide variant.
Coding change: c.362T>C on transcript NM_000245.4 (MANE Select); coding-DNA position 362, T replaced by C.
Protein change: p.Val121Ala; replaces valine 121 with alanine.
Molecular consequence: missense variant. On other transcripts: intron variant (1).
Genome position (GRCh38, 1-based): chr7:116,699,446, T>C. VCF-style: chr7-116699446-T-C. GRCh37 (hg19) VCF-style: chr7-116339500-T-C.
Other names: c.362T>C, p.Val121Ala (NM_001127500.3, NM_001324401.3); c.-91+26869T>C (NM_001324402.2); short protein forms V121A.
Identifiers: ClinVar variation 246642 (VCV000246642.16), dbSNP rs879254339, ClinGen allele CA10584669.
Genomic context (GRCh38, chr7:116,699,446, plus strand): 5'-GCAGCAGCAAAGCCAATTTATCAGGAGGTGTTTGGAAAGATAACATCAACATGGCTCTAG[T>C]TGTCGACACCTACTATGATGATCAACTCATTAGCTGTGGCAGCGTCAACAGAGGGACCTG-3'
Protein context (NP_000236.2, residues 111-131): VWKDNINMAL[Val121Ala]VDTYYDDQLI

ClinVar aggregate classification (germline): Uncertain significance. Review status: criteria provided, multiple submitters, no conflicts (2 of 4 stars). 5 submissions from 5 submitters: Uncertain significance (5). Last evaluated 2025-10-19.

Conditions:
Autosomal recessive nonsyndromic hearing loss 97. Also called: Deafness, autosomal recessive 97. Identifiers: Orphanet 90636, MedGen C4084709, MONDO:0014739, OMIM 616705.
Osteofibrous dysplasia (OSFD). Also called: Tibia, bowing of, with pseudarthrosis and pectus excavatum. Identifiers: Orphanet 488265, MedGen C4085248, MONDO:0011806, OMIM 607278.
Arthrogryposis, distal, IIa 11. Also called: Arthrogryposis, distal, type 11. Identifiers: MedGen C5774205, MONDO:0031045, OMIM 620019.
Papillary renal cell carcinoma type 1 (RCCP1). Also called: RENAL CELL CARCINOMA, PAPILLARY, 1, SOMATIC; Renal adenocarcinoma; Renal cell carcinoma 1; Renal cell carcinoma, somatic. Identifiers: Orphanet 47044, MedGen C1336839, OMIM 605074, HP:0011797.
Hepatocellular carcinoma (HCC). Also called: Primary carcinoma of liver; HEPATOMA; LIVER CELL CARCINOMA. Identifiers: Orphanet 88673, MedGen C2239176, MONDO:0007256, OMIM 114550, HP:0001402.
Renal cell carcinoma. Identifiers: Orphanet 217071, MedGen C0007134, MeSH D002292, MONDO:0005086, HP:0005584.
Hereditary cancer-predisposing syndrome. Also called: Hereditary neoplastic syndrome; Neoplastic Syndromes, Hereditary; Tumor predisposition; Hereditary Cancer Syndrome. Identifiers: Orphanet 140162, MedGen C0027672, MeSH D009386, MONDO:0015356.

Allele frequency attached by ClinVar (database versions not stated): gnomAD 0.00001; gnomAD exomes 0.00001; TOPMed 0.00001.
gnomAD v4.1: 11 of 1,613,942 alleles (0.00068%); highest among the groups gnomAD compares: South Asian, 0.0022%; no homozygotes.

Submissions (5):

Ambry Genetics
Classification: Uncertain significance for Hereditary cancer-predisposing syndrome. Last evaluated: 2025-10-19. Review status: criteria provided, single submitter. Criteria: Ambry Variant Classification Scheme 2023. Collection method: clinical testing. Allele origin: germline.
Comment: The p.V121A variant (also known as c.362T>C), located in coding exon 1 of the MET gene, results from a T to C substitution at nucleotide position 362. The valine at codon 121 is replaced by alanine, an amino acid with similar properties. This amino acid position is poorly conserved in available vertebrate species. In addition, this alteration is predicted to be tolerated by in silico analysis. Since supporting evidence is limited at this time, the clinical significance of this alteration remains unclear.

Labcorp Genetics (formerly Invitae), Labcorp
Classification: Uncertain significance for Renal cell carcinoma. Last evaluated: 2025-09-28. Review status: criteria provided, single submitter. Criteria: Invitae Variant Classification Sherloc (09022015). Collection method: clinical testing. Allele origin: germline.
Comment: This sequence change replaces valine, which is neutral and non-polar, with alanine, which is neutral and non-polar, at codon 121 of the MET protein (p.Val121Ala). This variant is not present in population databases (gnomAD no frequency). This variant has not been reported in the literature in individuals affected with MET-related conditions. ClinVar contains an entry for this variant (Variation ID: 246642). Invitae Evidence Modeling of protein sequence and biophysical properties (such as structural, functional, and spatial information, amino acid conservation, physicochemical variation, residue mobility, and thermodynamic stability) indicates that this missense variant is not expected to disrupt MET protein function with a negative predictive value of 80%. In summary, the available evidence is currently insufficient to determine the role of this variant in disease. Therefore, it has been classified as a Variant of Uncertain Significance.

Department of Human Genetics, Hannover Medical School
Classification: Uncertain significance for Papillary renal cell carcinoma type 1. Last evaluated: 2024-08-27. Review status: criteria provided, single submitter. Criteria: ACMG Guidelines, 2015. Collection method: clinical testing. Allele origin: germline. Inheritance: Autosomal dominant inheritance. Affected: yes.

Fulgent Genetics
Classification: Uncertain significance for Hepatocellular carcinoma; Papillary renal cell carcinoma type 1; Osteofibrous dysplasia; Autosomal recessive nonsyndromic hearing loss 97; Arthrogryposis, distal, IIa 11. Last evaluated: 2024-03-09. Review status: criteria provided, single submitter. Criteria: ACMG Guidelines, 2015. Collection method: clinical testing. Allele origin: germline.

Mendelics
Classification: Uncertain significance for Renal cell carcinoma, papillary, 1. Last evaluated: 2018-07-02. Review status: criteria provided, single submitter. Criteria: Mendelics Assertion Criteria 2017. Collection method: clinical testing. Allele origin: unknown.